The following is an entry in ClinVar:

NM_004186.5(SEMA3F):c.452C>A (p.Ala151Asp)

Gene: SEMA3F (semaphorin 3F; plus strand). Cytogenetic location: 3p21.31.
Variant type: single nucleotide variant.
Coding change: c.452C>A on transcript NM_004186.5 (MANE Select); coding-DNA position 452, C replaced by A.
Protein change: p.Ala151Asp; replaces alanine 151 with aspartic acid.
Molecular consequence: missense variant.
Genome position (GRCh38, 1-based): chr3:50,174,346, C>A. VCF-style: chr3-50174346-C-A. GRCh37 (hg19) VCF-style: chr3-50211779-C-A.
Other names: c.452C>A (NM_004186.4); c.248C>A, p.Ala83Asp (NM_001318798.2); c.452C>A, p.Ala151Asp (NM_001318800.2); short protein forms A151D, A83D.
Identifiers: ClinVar variation 2322087 (VCV002322087.4), dbSNP rs745746219, ClinGen allele CA2411759.

ClinVar aggregate classification (germline): Uncertain significance. Review status: criteria provided, multiple submitters, no conflicts (2 of 4 stars). 2 submissions from 2 submitters: Uncertain significance (2). Last evaluated 2026-09-14.

Conditions:
SEMA3F-related disorder. Also called: SEMA3F-related condition.

Allele frequency attached by ClinVar (database versions not stated): ExAC 0.00001; gnomAD 0.00003; TOPMed 0.00005.
gnomAD v4.1: 111 of 1,610,650 alleles (0.0069%); highest among the groups gnomAD compares: Non-Finnish European, 0.0093%; no homozygotes.

Submissions (2):

PreventionGenetics, part of Exact Sciences
Classification: Uncertain significance for SEMA3F-related condition. Last evaluated: 2026-09-14. Review status: criteria provided, single submitter. Criteria: ACMG Guidelines, 2015. Collection method: clinical testing. Allele origin: germline.
Comment: The SEMA3F c.452C>A variant is predicted to result in the amino acid substitution p.Ala151Asp. To our knowledge, this variant has not been reported in the literature. This variant is reported in 0.0045% of alleles in individuals of European (Non-Finnish) descent in gnomAD. At this time, the clinical significance of this variant is uncertain due to the absence of conclusive functional and genetic evidence.

Ambry Genetics
Classification: Uncertain significance. Last evaluated: 2022-11-07. Review status: criteria provided, single submitter. Criteria: Ambry Variant Classification Scheme 2023. Collection method: clinical testing. Allele origin: germline.